The following is an entry in ClinVar:

NM_001481.3(DRC4):c.710A>G (p.Tyr237Cys)

Gene: DRC4 (dynein regulatory complex subunit 4; plus strand). Cytogenetic location: 16q24.3.
Variant type: single nucleotide variant.
Coding change: c.710A>G on transcript NM_001481.3 (MANE Select); coding-DNA position 710, A replaced by G.
Protein change: p.Tyr237Cys; replaces tyrosine 237 with cysteine.
Molecular consequence: missense variant.
Genome position (GRCh38, 1-based): chr16:90,036,540, A>G. VCF-style: chr16-90036540-A-G. GRCh37 (hg19) VCF-style: chr16-90102948-A-G.
Other names: c.461A>G, p.Tyr154Cys (NM_001286205.2); c.134A>G, p.Tyr45Cys (NM_001286208.2); c.635A>G, p.Tyr212Cys (NM_001286209.2); short protein forms Y237C, Y154C, Y45C, Y212C.
Identifiers: ClinVar variation 1418512 (VCV001418512.3), dbSNP rs751123954, ClinGen allele CA8257924.

ClinVar aggregate classification (germline): Uncertain significance (1 of 4 stars; one submission).

Conditions:
Primary ciliary dyskinesia 33. Also called: CILIARY DYSKINESIA, PRIMARY, 33, WITHOUT SITUS INVERSUS. Identifiers: Orphanet 244, MedGen C4225230, MONDO:0014750, OMIM 616726.

Allele frequency attached by ClinVar (database versions not stated): ExAC 0.00001; gnomAD 0.00001; gnomAD exomes 0.00001 and 0.00003; TOPMed 0.00002.
gnomAD v4.1: 10 of 1,605,860 alleles (0.00062%); highest among the groups gnomAD compares: Admixed American, 0.014%; no homozygotes.

Submission:

Labcorp Genetics (formerly Invitae), Labcorp
Classification: Uncertain significance for Primary ciliary dyskinesia 33. Last evaluated: 2021-10-12. Review status: criteria provided, single submitter. Criteria: Invitae Variant Classification Sherloc (09022015). Collection method: clinical testing. Allele origin: germline.
Comment: This sequence change replaces tyrosine with cysteine at codon 237 of the GAS8 protein (p.Tyr237Cys). The tyrosine residue is moderately conserved and there is a large physicochemical difference between tyrosine and cysteine. This variant is present in population databases (rs751123954, ExAC 0.02%). This variant has not been reported in the literature in individuals affected with GAS8-related conditions. Algorithms developed to predict the effect of missense changes on protein structure and function (SIFT, PolyPhen-2, Align-GVGD) all suggest that this variant is likely to be disruptive. In summary, the available evidence is currently insufficient to determine the role of this variant in disease. Therefore, it has been classified as a Variant of Uncertain Significance.